The following is an entry in ClinVar:

ClinVar aggregate classification (germline): Likely benign. Review status: criteria provided, single submitter (1 of 4 stars). 2 submissions from 2 submitters: Likely benign (1). 1 of the submissions does not count toward it. Last evaluated 2025-12-02.

Conditions:
Hypertrophic cardiomyopathy 26. Also called: Cardiomyopathy, familial hypertrophic, 26. Identifiers: Orphanet 75249, MedGen C4310749, MONDO:0014883, OMIM 617047.
Distal myopathy with posterior leg and anterior hand involvement. Also called: WILLIAMS DISTAL MYOPATHY. Identifiers: Orphanet 63273, MedGen C3279722, MONDO:0013550, OMIM 614065.
Myofibrillar myopathy 5. Also called: Filaminopathy (type); FILAMINOPATHY, AUTOSOMAL DOMINANT. Identifiers: Orphanet 171445, MedGen C1836050, MONDO:0012289, OMIM 609524.
FLNC-related disorder. Also called: FLNC-related disorders; FLNC-related condition.

Allele frequency attached by ClinVar (database versions not stated): gnomAD 0.00001.
gnomAD v4.1: 14 of 1,613,840 alleles (0.00087%); highest among the groups gnomAD compares: Middle Eastern, 0.016%; no homozygotes.

Submissions (2):

Labcorp Genetics (formerly Invitae), Labcorp
Classification: Likely benign for Distal myopathy with posterior leg and anterior hand involvement; Myofibrillar myopathy 5; Hypertrophic cardiomyopathy 26. Last evaluated: 2025-12-02. Review status: criteria provided, single submitter. Criteria: Invitae Variant Classification Sherloc (09022015). Collection method: clinical testing. Allele origin: germline.

PreventionGenetics, part of Exact Sciences
Classification: Likely benign for FLNC-related condition. Last evaluated: 2019-07-02. Review status: no assertion criteria provided. Collection method: clinical testing. Allele origin: germline. Not counted in ClinVar's aggregate classification.
Comment: This variant is classified as likely benign based on ACMG/AMP sequence variant interpretation guidelines (Richards et al. 2015 PMID: 25741868, with internal and published modifications).

NM_001458.5(FLNC):c.2502G>A (p.Thr834=)

Gene: FLNC (filamin C; plus strand). Cytogenetic location: 7q32.1.
Variant type: single nucleotide variant.
Coding change: c.2502G>A on transcript NM_001458.5 (MANE Select); coding-DNA position 2502, G replaced by A.
Protein change: p.Thr834=; no amino-acid change (threonine 834 retained).
Molecular consequence: synonymous variant.
Genome position (GRCh38, 1-based): chr7:128,842,906, G>A. VCF-style: chr7-128842906-G-A. GRCh37 (hg19) VCF-style: chr7-128482960-G-A.
Other names: c.2502G>A (NM_001458.4); c.2502G>A, p.Thr834= (NM_001127487.2).
Identifiers: ClinVar variation 1527990 (VCV001527990.10), dbSNP rs984526805, ClinGen allele CA166175634.
Genomic context (GRCh38, chr7:128,842,906, plus strand): 5'-GGCTGACATTGACTTCGACATCATCAAGAATGACAACGACACCTTCACCGTCAAGTACAC[G>A]CCACCAGGGGCGGGCCGCTACACCATCATGGTGCTGTTTGCCAACCAGGTACCTAAGCTC-3'
Protein context (NP_001449.3, residues 824-844): NDNDTFTVKY[Thr834=]PPGAGRYTIM